The following is an entry in ClinVar:

ClinVar aggregate classification (germline): Uncertain significance (1 of 4 stars; one submission).

Conditions:
Paediatric disorders.

Submission:

North West Genomic Laboratory Hub, Manchester University NHS Foundation Trust
Classification: Uncertain significance for Paediatric disorders. Last evaluated: 2026-05-04. Review status: criteria provided, single submitter. Criteria: ACGS Best Practice Guidelines for Variant Classification in Rare Disease 2024. Collection method: clinical testing. Allele origin: germline. Affected: yes.
Comment: PP2_Supp

NM_001170629.2(CHD8):c.4624A>G (p.Ser1542Gly)

Gene: CHD8 (chromodomain helicase DNA binding protein 8; minus strand). Cytogenetic location: 14q11.2.
Variant type: single nucleotide variant.
Coding change: c.4624A>G on transcript NM_001170629.2 (MANE Select); coding-DNA position 4624, A replaced by G.
Protein change: p.Ser1542Gly; replaces serine 1542 with glycine.
Molecular consequence: missense variant.
Genome position (GRCh38, 1-based): chr14:21,400,254, T>C on the plus strand (A>G on the coding strand, the complement: CHD8 is on the minus strand). VCF-style: chr14-21400254-T-C. GRCh37 (hg19) VCF-style: chr14-21868413-T-C.
Other names: c.3787A>G, p.Ser1263Gly (NM_020920.4); short protein forms S1263G, S1542G.
Identifiers: ClinVar variation 4851473 (VCV004851473.1).